The following is an entry in ClinVar:

ClinVar aggregate classification (germline): Benign. Review status: criteria provided, single submitter (1 of 4 stars). 2 submissions from 2 submitters: Benign (1). 1 of the submissions does not count toward it. Last evaluated 2025-09-03.

Conditions:
SOX6-related disorder. Also called: SOX6-related condition.

Allele frequency attached by ClinVar (database versions not stated): gnomAD exomes 0.00020 and 0.00056; ExAC 0.00079; 1000 Genomes Project 0.00180; 1000 Genomes Project 30x 0.00203; gnomAD 0.00237 and 0.00257; TOPMed 0.00255; ESP Exome Variant Server 0.00285.
gnomAD v4.1: 658 of 1,611,770 alleles (0.041%); highest among the groups gnomAD compares: African/African-American, 0.77%; 1 homozygote.

Submissions (2):

Labcorp Genetics (formerly Invitae), Labcorp
Classification: Benign. Last evaluated: 2025-09-03. Review status: criteria provided, single submitter. Criteria: Invitae Variant Classification Sherloc (09022015). Collection method: clinical testing. Allele origin: germline.

PreventionGenetics, part of Exact Sciences
Classification: Benign for SOX6-related condition. Last evaluated: 2019-08-20. Review status: no assertion criteria provided. Collection method: clinical testing. Allele origin: germline. Not counted in ClinVar's aggregate classification.
Comment: This variant is classified as benign based on ACMG/AMP sequence variant interpretation guidelines (Richards et al. 2015 PMID: 25741868, with internal and published modifications).

NM_001367873.1(SOX6):c.709-6T>C

Gene: SOX6 (SRY-box transcription factor 6; minus strand). Cytogenetic location: 11p15.2.
Variant type: single nucleotide variant.
Coding change: c.709-6T>C on transcript NM_001367873.1 (MANE Select); 6 bases into the intron before coding-DNA position 709, T replaced by C.
Molecular consequence: intron variant.
Genome position (GRCh38, 1-based): chr11:16,183,960, A>G on the plus strand (T>C on the coding strand, the complement: SOX6 is on the minus strand). VCF-style: chr11-16183960-A-G. GRCh37 (hg19) VCF-style: chr11-16205506-A-G.
Other names: c.709-6T>C (NM_001367872.1, NM_033326.3, NM_001145811.2 and 2 more transcripts); c.748-6T>C (NM_001145819.1).
Identifiers: ClinVar variation 1659269 (VCV001659269.10), dbSNP rs144474428, ClinGen allele CA5898358.